The following is an entry in ClinVar:

NM_000193.4(SHH):c.21T>G (p.Cys7Trp)

Gene: SHH (sonic hedgehog signaling molecule; minus strand). Cytogenetic location: 7q36.3.
Variant type: single nucleotide variant.
Coding change: c.21T>G on transcript NM_000193.4 (MANE Select); coding-DNA position 21, T replaced by G.
Protein change: p.Cys7Trp; replaces cysteine 7 with tryptophan.
Molecular consequence: missense variant.
Genome position (GRCh38, 1-based): chr7:155,812,102, A>C on the plus strand (T>G on the coding strand, the complement: SHH is on the minus strand). VCF-style: chr7-155812102-A-C. GRCh37 (hg19) VCF-style: chr7-155604796-A-C.
Other names: short protein forms C7W.
Identifiers: ClinVar variation 4814057 (VCV004814057.1).

ClinVar aggregate classification (germline): Likely benign (1 of 4 stars; one submission).

Conditions:
Holoprosencephaly 3 (HPE3). Identifiers: Orphanet 2162, MedGen C1840529, MONDO:0007733, OMIM 142945.

gnomAD v4.1: 1 of 1,614,152 alleles (0.000062%); highest among the groups gnomAD compares: South Asian, 0.0011%; no homozygotes.

Submission:

Centre for Medical Genetics,  Mumbai
Classification: Likely benign for Holoprosencephaly 3. Last evaluated: 2026-03-04. Review status: criteria provided, single submitter. Criteria: ACMG Guidelines, 2015. Collection method: provider interpretation. Allele origin: germline. Inheritance: Autosomal dominant inheritance. Affected: no. Observed: 1 variant allele, 1 heterozygote.
Comment: The variant satisfies PM2 criteria; Extremely low frequency in gnomAD population databases. The variant satisfies PM1 criteria; Non-truncating non-synonymous variant is located in a mutational hot spot and/or critical and well-established functional domain. The variant satisfies PP2 criteria; Missense variant in a gene with low rate of benign missense mutations and for which missense mutation is a common mechanism of a disease. However, the variant satisfies BS2 criteria.

Literature cited by the submitters: PubMed 8896572.